The following is an entry in ClinVar:

NM_004006.3(DMD):c.8329A>T (p.Arg2777Ter)

Gene: DMD (dystrophin; minus strand). Cytogenetic location: Xp21.1.
Variant type: single nucleotide variant.
Coding change: c.8329A>T on transcript NM_004006.3 (MANE Select); coding-DNA position 8329, A replaced by T.
Protein change: p.Arg2777Ter; replaces arginine 2777 with a stop codon.
Molecular consequence: nonsense.
Genome position (GRCh38, 1-based): chrX:31,507,342, T>A on the plus strand (A>T on the coding strand, the complement: DMD is on the minus strand). VCF-style: chrX-31507342-T-A. GRCh37 (hg19) VCF-style: chrX-31525459-T-A.
Other names: c.8305A>T, p.Arg2769Ter (NM_000109.4); c.8317A>T, p.Arg2773Ter (NM_004009.3); c.7960A>T, p.Arg2654Ter (NM_004010.3); c.4306A>T, p.Arg1436Ter (NM_004011.4); c.4297A>T, p.Arg1433Ter (NM_004012.4); c.949A>T, p.Arg317Ter (NM_004013.3, NM_004020.4, NM_004021.3 and 2 more transcripts); c.142A>T, p.Arg48Ter (NM_004014.3); short protein forms R1433*, R1436*, R2654*, R2769*, R2773*, R2777*, R317*, R48*.
Identifiers: ClinVar variation 984215 (VCV000984215.4), dbSNP rs2071051447, ClinGen allele CA412656204.

ClinVar aggregate classification (germline): Likely pathogenic (1 of 4 stars; one submission).

Conditions:
Progressive muscular dystrophy. Identifiers: Orphanet 206644, MedGen C4551827, MONDO:0016106.

Submission:

Myriad Genetics, Inc.
Classification: Likely pathogenic for Progressive muscular dystrophy. Last evaluated: 2019-07-28. Review status: criteria provided, single submitter. Criteria: Myriad Autosomal Dominant, Autosomal Recessive and X-Linked Classification Criteria (2023). Collection method: clinical testing. Allele origin: unknown.
Comment: NM_004006.2(DMD):c.8329A>T(R2777*) is expected to be pathogenic in the context of dystrophinopathy (including Duchenne/Becker muscular dystrophy). This variant is predicted to lead to an abnormal or absent protein product due to the creation of a premature termination codon in DMD, a gene where loss-of-function variants are known to be pathogenic. Please note: this variant was assessed in the context of healthy population screening.